The following is an entry in ClinVar:

ClinVar aggregate classification (germline): Uncertain significance (1 of 4 stars; one submission).

Conditions:
Infantile-onset X-linked spinal muscular atrophy. Also called: Spinal muscular atrophy, X-linked 2; SPINAL MUSCULAR ATROPHY, X-LINKED LETHAL INFANTILE; Spinal Muscular Atrophy, X-Linked Infantile; AMC, DISTAL, X-LINKED; ARTHROGRYPOSIS, X-LINKED, TYPE I. Identifiers: Orphanet 1145, MedGen C1844934, MONDO:0010532, OMIM 301830.

gnomAD v4.1: 1 of 1,198,779 alleles (0.000083%); highest among the groups gnomAD compares: African/African-American, 0.0017%; no homozygotes.

Submission:

Labcorp Genetics (formerly Invitae), Labcorp
Classification: Uncertain significance for Infantile-onset X-linked spinal muscular atrophy. Last evaluated: 2019-08-24. Review status: criteria provided, single submitter. Criteria: Invitae Variant Classification Sherloc (09022015). Collection method: clinical testing. Allele origin: germline.
Comment: In summary, the available evidence is currently insufficient to determine the role of this variant in disease. Therefore, it has been classified as a Variant of Uncertain Significance. Algorithms developed to predict the effect of missense changes on protein structure and function are either unavailable or do not agree on the potential impact of this missense change (SIFT: "Deleterious"; PolyPhen-2: "Benign"; Align-GVGD: "Class C0"). This variant has not been reported in the literature in individuals with UBA1-related conditions. This variant is not present in population databases (ExAC no frequency). This sequence change replaces threonine with isoleucine at codon 167 of the UBA1 protein (p.Thr167Ile). The threonine residue is weakly conserved and there is a moderate physicochemical difference between threonine and isoleucine.

NM_003334.4(UBA1):c.500C>T (p.Thr167Ile)

Gene: UBA1 (ubiquitin like modifier activating enzyme 1; plus strand). Cytogenetic location: Xp11.3.
Variant type: single nucleotide variant.
Coding change: c.500C>T on transcript NM_003334.4 (MANE Select); coding-DNA position 500, C replaced by T.
Protein change: p.Thr167Ile; replaces threonine 167 with isoleucine.
Molecular consequence: missense variant.
Genome position (GRCh38, 1-based): chrX:47,200,913, C>T. VCF-style: chrX-47200913-C-T. GRCh37 (hg19) VCF-style: chrX-47060312-C-T.
Other names: c.500C>T, p.Thr167Ile (NM_153280.3); short protein forms T167I.
Identifiers: ClinVar variation 951129 (VCV000951129.9), dbSNP rs1936389956, ClinGen allele CA412791635.
Genomic context (GRCh38, chrX:47,200,913, plus strand): 5'-CTTCACCCCAATGCTGGGCCTGAGCCTCCATCTCTCCACAGGTGGTGGTGCTCACCAACA[C>T]CCCCCTGGAGGACCAGCTGCGAGTGGGTGAGTTCTGTCACAACCGTGGCATCAAGCTGGT-3'
Protein context (NP_003325.2, residues 157-177): SGFQVVVLTN[Thr167Ile]PLEDQLRVGE